The following is an entry in ClinVar:

ClinVar aggregate classification (germline): Uncertain significance (1 of 4 stars; one submission).

Submission:

Labcorp Genetics (formerly Invitae), Labcorp
Classification: Uncertain significance. Last evaluated: 2025-09-11. Review status: criteria provided, single submitter. Criteria: Invitae Variant Classification Sherloc (09022015). Collection method: clinical testing. Allele origin: germline.
Comment: This sequence change replaces valine, which is neutral and non-polar, with alanine, which is neutral and non-polar, at codon 359 of the OBSL1 protein (p.Val359Ala). This variant is not present in population databases (gnomAD no frequency). This variant has not been reported in the literature in individuals affected with OBSL1-related conditions. ClinVar contains an entry for this variant (Variation ID: 2082120). An algorithm developed to predict the effect of missense changes on protein structure and function (PolyPhen-2) suggests that this variant is likely to be disruptive. In summary, the available evidence is currently insufficient to determine the role of this variant in disease. Therefore, it has been classified as a Variant of Uncertain Significance.

NM_015311.3(OBSL1):c.1076T>C (p.Val359Ala)

Gene: OBSL1 (obscurin like cytoskeletal adaptor 1; minus strand). Cytogenetic location: 2q35.
Variant type: single nucleotide variant.
Coding change: c.1076T>C on transcript NM_015311.3 (MANE Select); coding-DNA position 1076, T replaced by C.
Protein change: p.Val359Ala; replaces valine 359 with alanine.
Molecular consequence: missense variant.
Genome position (GRCh38, 1-based): chr2:219,568,261, A>G on the plus strand (T>C on the coding strand, the complement: OBSL1 is on the minus strand). VCF-style: chr2-219568261-A-G. GRCh37 (hg19) VCF-style: chr2-220432983-A-G.
Other names: c.1076T>C, p.Val359Ala (NM_001173408.2, NM_001173431.2); short protein forms V359A.
Identifiers: ClinVar variation 2082120 (VCV002082120.4), dbSNP rs2469071168, ClinGen allele CA350761055.